The following is an entry in ClinVar:

NM_001005242.3(PKP2):c.253G>A (p.Glu85Lys)

Gene: PKP2 (plakophilin 2; minus strand). Cytogenetic location: 12p11.21.
Variant type: single nucleotide variant.
Coding change: c.253G>A on transcript NM_001005242.3 (MANE Select); coding-DNA position 253, G replaced by A.
Protein change: p.Glu85Lys; replaces glutamic acid 85 with lysine.
Molecular consequence: missense variant.
Genome position (GRCh38, 1-based): chr12:32,879,003, C>T on the plus strand (G>A on the coding strand, the complement: PKP2 is on the minus strand). VCF-style: chr12-32879003-C-T. GRCh37 (hg19) VCF-style: chr12-33031937-C-T.
Other names: c.253G>A, p.Glu85Lys (NM_004572.4); short protein forms E85K.
Identifiers: ClinVar variation 1052399 (VCV001052399.9), dbSNP rs2137953226, ClinGen allele CA384366632.
Genomic context (GRCh38, chr12:32,879,003, plus strand): 5'-GAACAGGGGAACGGCCTCCAACAAAATCATTTTCAACCAAGTGTAGGTTGTAGACATACT[C>T]AGGAACACTGCTGGTTCGGTGAAGATTTCCTGCAATCAAGCAAATATTAAAATAACTCAG-3'
Protein context (NP_001005242.2, residues 75-95): GNLHRTSSVP[Glu85Lys]YVYNLHLVEN

ClinVar aggregate classification (germline): Uncertain significance (1 of 4 stars; one submission).

Conditions:
Arrhythmogenic right ventricular dysplasia 9 (ARVD9). Also called: ARRHYTHMOGENIC RIGHT VENTRICULAR DYSPLASIA, FAMILIAL, 9; Arrhythmogenic Right Ventricular Dysplasia/Cardiomyopathy 9. Identifiers: MedGen C1836906, MONDO:0012180, OMIM 609040.

Submission:

Labcorp Genetics (formerly Invitae), Labcorp
Classification: Uncertain significance for Arrhythmogenic right ventricular dysplasia 9. Last evaluated: 2020-02-28. Review status: criteria provided, single submitter. Criteria: Invitae Variant Classification Sherloc (09022015). Collection method: clinical testing. Allele origin: germline.
Comment: This sequence change replaces glutamic acid with lysine at codon 85 of the PKP2 protein (p.Glu85Lys). The glutamic acid residue is highly conserved and there is a small physicochemical difference between glutamic acid and lysine. In summary, the available evidence is currently insufficient to determine the role of this variant in disease. Therefore, it has been classified as a Variant of Uncertain Significance. Algorithms developed to predict the effect of missense changes on protein structure and function are either unavailable or do not agree on the potential impact of this missense change (SIFT: "Deleterious"; PolyPhen-2: "Probably Damaging"; Align-GVGD: "Class C15"). This variant has not been reported in the literature in individuals with PKP2-related conditions. This variant is not present in population databases (ExAC no frequency).